The following is an entry in ClinVar:

ClinVar aggregate classification (germline): Likely pathogenic (1 of 4 stars; one submission).

Conditions:
Autosomal recessive Alport syndrome (ATS2). Also called: COL4A3-Related Nephropathy; COL4A4 Alport Syndrome and Thin Basement Membrane Nephropathy; ALPORT SYNDROME 2, AUTOSOMAL RECESSIVE; Alport syndrome type 2. Identifiers: Orphanet 63, Orphanet 88919, MedGen C4746745, MONDO:0008762, OMIM 203780.

Submission:

Myriad Genetics, Inc.
Classification: Likely pathogenic for Autosomal recessive Alport syndrome. Last evaluated: 2022-03-05. Review status: criteria provided, single submitter. Criteria: Myriad Women's Health Autosomal Recessive and X-Linked Classification Criteria (2021). Collection method: clinical testing. Allele origin: unknown.
Comment: NM_000091.4(COL4A3):c.1767_1773del7(S589Rfs*156) is expected to be pathogenic in the context of COL4A3-related Alport syndrome. This variant is predicted to lead to an abnormal or absent protein product due to the creation of a premature termination codon in COL4A3, a gene where loss-of-function variants are known to be pathogenic. Please note: this variant was assessed in the context of healthy population screening.

NM_000091.5(COL4A3):c.1767_1773del (p.Ser589fs)

Genes: COL4A3 (collagen type IV alpha 3 chain; plus strand), MFF-DT (MFF divergent transcript; minus strand). Cytogenetic location: 2q36.3.
Variant type: Deletion.
Coding change: c.1767_1773del on transcript NM_000091.5 (MANE Select); coding-DNA positions 1767 to 1773, 7 bases deleted (TGGTGAG; older notation c.1767_1773delTGGTGAG).
Protein change: p.Ser589fs; shifts the reading frame from serine 589.
Molecular consequence: frameshift variant.
Genome position (GRCh38, 1-based): chr2:227,272,957-227,272,963, TGGTGAG deleted; deleting any 7 consecutive bases within chr2:227,272,953-227,272,963 gives the same sequence; the c. name uses the placement nearest the transcript's 3' end. VCF-style (leftmost placement, unchanged base first): chr2-227272952-CTGAGTGG-C. GRCh37 (hg19) VCF-style: chr2-228137668-CTGAGTGG-C.
Other names: short protein forms S589fs.
Identifiers: ClinVar variation 1725041 (VCV001725041.2), dbSNP rs2469699400, ClinGen allele CA2580065981.
Genomic context (GRCh38, chr2:227,272,952, plus strand): 5'-CTGTTGTAAGAATATACTGGAATGAAGCACGATTCAAACACATTCCTGTTGTCACAGGCT[CTGAGTGG>C]TGAGAAAGGGGACCAAGGTCCTCCAGGGGATCCTGGCTCCCCTGGGTCCCCAGGACCTGC-3'